The following is an entry in ClinVar:

ClinVar aggregate classification (germline): Uncertain significance (0 of 4 stars; one submission).

Conditions:
MAPT-related disorder. Also called: MAPT-Related Disorders; MAPT-related condition.

Allele frequency attached by ClinVar (database versions not stated): ExAC 0.00001; gnomAD 0.00001; gnomAD exomes 0.00001; TOPMed 0.00002.
gnomAD v4.1: 9 of 1,604,694 alleles (0.00056%); highest among the groups gnomAD compares: African/African-American, 0.004%; no homozygotes.

Submission:

PreventionGenetics, part of Exact Sciences
Classification: Uncertain significance for MAPT-related condition. Last evaluated: 2023-12-18. Review status: no assertion criteria provided. Collection method: clinical testing. Allele origin: germline.
Comment: The MAPT c.545G>A variant is predicted to result in the amino acid substitution p.Arg182His. To our knowledge, this variant has not been reported in the literature. This variant is reported in 0.0074% of alleles in individuals of African descent in gnomAD. At this time, the clinical significance of this variant is uncertain due to the absence of conclusive functional and genetic evidence.

NM_001377265.1(MAPT):c.770G>A (p.Arg257His)

Gene: MAPT (microtubule associated protein tau). Cytogenetic location: 17q21.31.
Variant type: single nucleotide variant.
Coding change: c.770G>A on transcript NM_001377265.1 (MANE Select); coding-DNA position 770, G replaced by A.
Protein change: p.Arg257His; replaces arginine 257 with histidine.
Molecular consequence: missense variant. On other transcripts: intron variant (8).
Genome position (GRCh38, 1-based): chr17:45,983,349, G>A. VCF-style: chr17-45983349-G-A. GRCh37 (hg19) VCF-style: chr17-44060715-G-A.
Other names: c.545G>A, p.Arg182His (NM_001123066.4, NM_016835.5); c.770G>A, p.Arg257His (NM_001377266.1); c.200-3691G>A (NM_001377268.1, NM_016834.5, NM_016841.5); c.374-3691G>A (NM_005910.6, NM_001203252.2); c.287-3691G>A (NM_001123067.4, NM_001203251.2, NM_001377267.1); short protein forms R182H, R257H.
Identifiers: ClinVar variation 3036594 (VCV003036594.2), dbSNP rs773565326, ClinGen allele CA8617691.
Genomic context (GRCh38, chr17:45,983,349, plus strand): 5'-GCCCCAGAGAGGCCACACGCCAACCTTCGGGGACAGGACCTGAGGACACAGAGGGCGGCC[G>A]CCACGCCCCTGAGCTGCTCAAGCACCAGCTTCTAGGAGACCTGCACCAGGAGGGGCCGCC-3'
Protein context (NP_001364194.1, residues 247-267): GTGPEDTEGG[Arg257His]HAPELLKHQL